The following is an entry in ClinVar:

NM_000020.3(ACVRL1):c.790A>G (p.Met264Val)

Gene: ACVRL1 (activin A receptor like type 1; plus strand). Cytogenetic location: 12q13.13.
Variant type: single nucleotide variant.
Coding change: c.790A>G on transcript NM_000020.3 (MANE Select); coding-DNA position 790, A replaced by G.
Protein change: p.Met264Val; replaces methionine 264 with valine.
Molecular consequence: missense variant.
Genome position (GRCh38, 1-based): chr12:51,915,242, A>G. VCF-style: chr12-51915242-A-G. GRCh37 (hg19) VCF-style: chr12-52309026-A-G.
Other names: c.790A>G, p.Met264Val (NM_001077401.2, NM_001406487.1, NM_001406488.1 and 1 more transcripts); c.478A>G, p.Met160Val (NM_001406490.1, NM_001406491.1, NM_001406492.1 and 2 more transcripts); c.226A>G, p.Met76Val (NM_001406495.1); short protein forms M160V, M264V, M76V.
Identifiers: ClinVar variation 4882858 (VCV004882858.2).

ClinVar aggregate classification (germline): Uncertain significance (1 of 4 stars; one submission).

Conditions:
Telangiectasia, hereditary hemorrhagic, type 2 (HHT2). Also called: ACVRL1-Related Hereditary Hemorrhagic Telangiectasia; Telangiectasia, hereditary hemorrhagic, type II. Identifiers: Orphanet 774, MedGen C1838163, MONDO:0010880, OMIM 600376. Disease mechanism: loss of function.

gnomAD v4.1: 1 of 1,614,056 alleles (0.000062%); highest among the groups gnomAD compares: Non-Finnish European, 0.000085%; no homozygotes.

Submission:

Dasa
Classification: Uncertain significance for Telangiectasia, hereditary hemorrhagic, type 2. Last evaluated: 2025-10-28. Review status: criteria provided, single submitter. Criteria: DASA Assertion Criteria. Collection method: clinical testing. Allele origin: germline.
Comment: NM_000020.3(ACVRL1):c.790A>G (p.Met264Val) is a missense variant that results in the substitution of methionine with valine. This variant is rare in population databases. The currently available literature and clinical evidence are not sufficient to establish a definitive association between this variant and the reported condition. Therefore, this variant is classified as a variant of uncertain significance.